The following is an entry in ClinVar:

NM_001029896.2(WDR45):c.928T>C (p.Cys310Arg)

Gene: WDR45 (WD repeat domain 45; minus strand). Cytogenetic location: Xp11.23.
Variant type: single nucleotide variant.
Coding change: c.928T>C on transcript NM_001029896.2 (MANE Select); coding-DNA position 928, T replaced by C.
Protein change: p.Cys310Arg; replaces cysteine 310 with arginine.
Molecular consequence: missense variant.
Genome position (GRCh38, 1-based): chrX:49,075,181, A>G on the plus strand (T>C on the coding strand, the complement: WDR45 is on the minus strand). VCF-style: chrX-49075181-A-G. GRCh37 (hg19) VCF-style: chrX-48932840-A-G.
Other names: c.931T>C, p.Cys311Arg (NM_007075.4); short protein forms C310R, C311R.
Identifiers: ClinVar variation 2120504 (VCV002120504.4), dbSNP rs2520260202, ClinGen allele CA412941993.

ClinVar aggregate classification (germline): Likely pathogenic (1 of 4 stars; one submission).

Conditions:
Neurodegeneration with brain iron accumulation 5 (NBIA5). Also called: Beta-propeller protein-associated neurodegeneration; STATIC ENCEPHALOPATHY OF CHILDHOOD WITH NEURODEGENERATION IN ADULTHOOD. Identifiers: Orphanet 329284, MedGen C3550973, MONDO:0010476, OMIM 300894.

Submission:

Labcorp Genetics (formerly Invitae), Labcorp
Classification: Likely pathogenic for Neurodegeneration with brain iron accumulation 5. Last evaluated: 2022-06-14. Review status: criteria provided, single submitter. Criteria: Invitae Variant Classification Sherloc (09022015). Collection method: clinical testing. Allele origin: germline.
Comment: Algorithms developed to predict the effect of missense changes on protein structure and function are either unavailable or do not agree on the potential impact of this missense change (SIFT: "Deleterious"; PolyPhen-2: "Possibly Damaging"; Align-GVGD: "Class C0"). This missense change has been observed in individual(s) with clinical features of beta-propeller protein-associated neurodegeneration (Invitae). In at least one individual the variant was observed to be de novo. This variant is not present in population databases (gnomAD no frequency). This sequence change replaces cysteine, which is neutral and slightly polar, with arginine, which is basic and polar, at codon 311 of the WDR45 protein (p.Cys311Arg). In summary, the currently available evidence indicates that the variant is pathogenic, but additional data are needed to prove that conclusively. Therefore, this variant has been classified as Likely Pathogenic.